The following is an entry in ClinVar:

NM_003105.6(SORL1):c.2660A>G (p.Glu887Gly)

Gene: SORL1 (sortilin related receptor 1; plus strand). Cytogenetic location: 11q24.1.
Variant type: single nucleotide variant.
Coding change: c.2660A>G on transcript NM_003105.6 (MANE Select); coding-DNA position 2660, A replaced by G.
Protein change: p.Glu887Gly; replaces glutamic acid 887 with glycine.
Molecular consequence: missense variant.
Genome position (GRCh38, 1-based): chr11:121,557,402, A>G. VCF-style: chr11-121557402-A-G. GRCh37 (hg19) VCF-style: chr11-121428111-A-G.
Other names: short protein forms E887G.
Identifiers: ClinVar variation 2771643 (VCV002771643.3), dbSNP rs763834704, ClinGen allele CA6329016.

ClinVar aggregate classification (germline): Uncertain significance (1 of 4 stars; one submission).

Allele frequency attached by ClinVar (database versions not stated): gnomAD 0.00001; gnomAD exomes 0.00001; ExAC 0.00002; TOPMed 0.00003.
gnomAD v4.1: 22 of 1,612,234 alleles (0.0014%); highest among the groups gnomAD compares: South Asian, 0.02%; no homozygotes.

Submission:

Labcorp Genetics (formerly Invitae), Labcorp
Classification: Uncertain significance. Last evaluated: 2023-01-16. Review status: criteria provided, single submitter. Criteria: Invitae Variant Classification Sherloc (09022015). Collection method: clinical testing. Allele origin: germline.
Comment: In summary, the available evidence is currently insufficient to determine the role of this variant in disease. Therefore, it has been classified as a Variant of Uncertain Significance. Algorithms developed to predict the effect of missense changes on protein structure and function (SIFT, PolyPhen-2, Align-GVGD) all suggest that this variant is likely to be tolerated. This missense change has been observed in individual(s) with Alzheimer disease (PMID: 25382023). This variant is present in population databases (rs763834704, gnomAD 0.01%). This sequence change replaces glutamic acid, which is acidic and polar, with glycine, which is neutral and non-polar, at codon 887 of the SORL1 protein (p.Glu887Gly).

Literature cited by the submitters: PubMed 25382023.